The following is an entry in ClinVar:

NM_006231.4(POLE):c.6125del (p.Gly2042fs)

Gene: POLE (DNA polymerase epsilon, catalytic subunit; minus strand). Cytogenetic location: 12q24.33.
Variant type: Deletion.
Coding change: c.6125del on transcript NM_006231.4 (MANE Select); coding-DNA position 6125, one base deleted (G; older notation c.6125delG).
Protein change: p.Gly2042fs; shifts the reading frame from glycine 2042.
Molecular consequence: frameshift variant.
Genome position (GRCh38, 1-based): chr12:132,632,675, C deleted on the plus strand (G on the coding strand, the reverse complement: POLE is on the minus strand); the first of 2 consecutive C bases (chr12:132,632,675-132,632,676); deleting either gives the same sequence. VCF-style (leftmost placement, unchanged base first): chr12-132632674-TC-T. GRCh37 (hg19) VCF-style: chr12-133209260-TC-T.
Other names: short protein forms G2042fs.
Identifiers: ClinVar variation 3638282 (VCV003638282.2).

ClinVar aggregate classification (germline): Pathogenic (1 of 4 stars; one submission).

Submission:

Labcorp Genetics (formerly Invitae), Labcorp
Classification: Pathogenic. Last evaluated: 2024-02-02. Review status: criteria provided, single submitter. Criteria: Invitae Variant Classification Sherloc (09022015). Collection method: clinical testing. Allele origin: germline.
Comment: This sequence change creates a premature translational stop signal (p.Gly2042Glufs*6) in the POLE gene. It is expected to result in an absent or disrupted protein product. Loss-of-function variants in POLE are known to be pathogenic (PMID: 23230001, 25948378, 30503519). This variant is not present in population databases (gnomAD no frequency). This variant has not been reported in the literature in individuals affected with POLE-related conditions. For these reasons, this variant has been classified as Pathogenic.

Literature cited by the submitters: PubMed 23230001; PubMed 25948378; PubMed 30503519.